The following is an entry in ClinVar:

ClinVar aggregate classification (germline): Pathogenic (1 of 4 stars; one submission).

Conditions:
Familial intrahepatic cholestasis. Identifiers: Orphanet 284385, MedGen CN296401, MONDO:0017290.
Low phospholipid associated cholelithiasis (GBD1). Also called: Gallbladder disease 1; Gallstone cholecystitis. Identifiers: Orphanet 69663, MedGen C2609268, MONDO:0010939, OMIM 600803.

Submission:

Genomenon, Inc
Classification: Pathogenic for Familial intrahepatic cholestasis; Low phospholipid associated cholelithiasis. Last evaluated: 2026-04-14. Review status: criteria provided, single submitter. Criteria: Genomenon Sequence Variant Interpretation Standards - Updated. Collection method: curation. Allele origin: germline. Affected: yes.
Comment: ABCB4 p.Pro693HisfsTer6 (c.2078del) is a frameshift variant that results in the production of a truncated protein which is predicted to undergo nonsense-mediated mRNA decay. This variant has been observed in at least one proband with an ABCB4-related disorder (PMID:36277956;22343912). The variant was found to segregate with disease in at least one affected family (PMID:22343912). It is absent or not present at a significant frequency in gnomAD. In conclusion, we classify ABCB4 p.Pro693HisfsTer6 (c.2078del) as a pathogenic variant.

Literature cited by the submitters: PubMed 36277956; PubMed 22343912.

NM_000443.4(ABCB4):c.2078del (p.Pro693fs)

Gene: ABCB4 (ATP binding cassette subfamily B member 4; minus strand). Cytogenetic location: 7q21.12.
Variant type: Deletion.
Coding change: c.2078del on transcript NM_000443.4 (MANE Select); coding-DNA position 2078, one base deleted (C; older notation c.2078delC).
Protein change: p.Pro693fs; shifts the reading frame from proline 693.
Molecular consequence: frameshift variant.
Genome position (GRCh38, 1-based): chr7:87,424,039, G deleted on the plus strand (C on the coding strand, the reverse complement: ABCB4 is on the minus strand); the first of 2 consecutive G bases (chr7:87,424,039-87,424,040); deleting either gives the same sequence. VCF-style (leftmost placement, unchanged base first): chr7-87424038-TG-T. GRCh37 (hg19) VCF-style: chr7-87053354-TG-T.
Other names: c.2078del, p.Pro693fs (NM_018849.3, NM_018850.3); short protein forms P693fs.
Identifiers: ClinVar variation 4846570 (VCV004846570.1).